The following is an entry in ClinVar:

NM_006767.4(LZTR1):c.1938C>G (p.Asp646Glu)

Gene: LZTR1 (leucine zipper like post translational regulator 1; plus strand). Cytogenetic location: 22q11.21.
Variant type: single nucleotide variant.
Coding change: c.1938C>G on transcript NM_006767.4 (MANE Select); coding-DNA position 1938, C replaced by G.
Protein change: p.Asp646Glu; replaces aspartic acid 646 with glutamic acid.
Molecular consequence: missense variant.
Genome position (GRCh38, 1-based): chr22:20,995,022, C>G. VCF-style: chr22-20995022-C-G. GRCh37 (hg19) VCF-style: chr22-21349311-C-G.
Other names: c.1938C>G (NM_006767.3); short protein forms D646E.
Identifiers: ClinVar variation 3676137 (VCV003676137.3).

ClinVar aggregate classification (germline): Uncertain significance. Review status: criteria provided, multiple submitters, no conflicts (2 of 4 stars). 2 submissions from 2 submitters: Uncertain significance (2). Last evaluated 2025-11-19.

Conditions:
LZTR1-related disorder. Also called: LZTR1-related disorders; LZTR1-related condition.

Submissions (2):

PreventionGenetics, part of Exact Sciences
Classification: Uncertain significance for LZTR1-related condition. Last evaluated: 2025-11-19. Review status: criteria provided, single submitter. Criteria: ACMG Guidelines, 2015. Collection method: clinical testing. Allele origin: germline.
Comment: The LZTR1 c.1938C>G variant is predicted to result in the amino acid substitution p.Asp646Glu. To our knowledge, this variant has not been reported in the literature or in a large population database (gnomAD), indicating this variant is rare. At this time, the clinical significance of this variant is uncertain due to the absence of conclusive functional and genetic evidence.

Labcorp Genetics (formerly Invitae), Labcorp
Classification: Uncertain significance. Last evaluated: 2024-03-05. Review status: criteria provided, single submitter. Criteria: Invitae Variant Classification Sherloc (09022015). Collection method: clinical testing. Allele origin: germline.
Comment: This sequence change replaces aspartic acid, which is acidic and polar, with glutamic acid, which is acidic and polar, at codon 646 of the LZTR1 protein (p.Asp646Glu). This variant is not present in population databases (gnomAD no frequency). This variant has not been reported in the literature in individuals affected with LZTR1-related conditions. Advanced modeling of protein sequence and biophysical properties (such as structural, functional, and spatial information, amino acid conservation, physicochemical variation, residue mobility, and thermodynamic stability) performed at Invitae indicates that this missense variant is not expected to disrupt LZTR1 protein function with a negative predictive value of 80%. In summary, the available evidence is currently insufficient to determine the role of this variant in disease. Therefore, it has been classified as a Variant of Uncertain Significance.